The following is an entry in ClinVar:

NM_000179.3(MSH6):c.2605T>G (p.Cys869Gly)

Gene: MSH6 (mutS homolog 6; plus strand). Cytogenetic location: 2p16.3.
Variant type: single nucleotide variant.
Coding change: c.2605T>G on transcript NM_000179.3 (MANE Select); coding-DNA position 2605, T replaced by G.
Protein change: p.Cys869Gly; replaces cysteine 869 with glycine.
Molecular consequence: missense variant.
Genome position (GRCh38, 1-based): chr2:47,800,588, T>G. VCF-style: chr2-47800588-T-G. GRCh37 (hg19) VCF-style: chr2-48027727-T-G.
Other names: c.2215T>G, p.Cys739Gly (NM_001281492.2); c.1699T>G, p.Cys567Gly (NM_001281493.2, NM_001281494.2); short protein forms C869G, C739G, C567G.
Identifiers: ClinVar variation 455212 (VCV000455212.14), dbSNP rs768941857, ClinGen allele CA346754955.

ClinVar aggregate classification (germline): Uncertain significance. Review status: criteria provided, multiple submitters, no conflicts (2 of 4 stars). 2 submissions from 2 submitters: Uncertain significance (2). Last evaluated 2025-11-01.

Conditions:
Hereditary nonpolyposis colorectal neoplasms. Identifiers: MedGen C0009405, MeSH D003123.
Hereditary cancer-predisposing syndrome. Also called: Hereditary Cancer Syndrome; Hereditary neoplastic syndrome; Neoplastic Syndromes, Hereditary; Tumor predisposition. Identifiers: Orphanet 140162, MedGen C0027672, MeSH D009386, MONDO:0015356.

Allele frequency attached by ClinVar (database versions not stated): TOPMed below 0.00001; gnomAD 0.00001.
gnomAD v4.1: 4 of 1,613,962 alleles (0.00025%); highest among the groups gnomAD compares: African/African-American, 0.0013%; no homozygotes.

Submissions (2):

Labcorp Genetics (formerly Invitae), Labcorp
Classification: Uncertain significance for Hereditary nonpolyposis colorectal neoplasms. Last evaluated: 2025-11-01. Review status: criteria provided, single submitter. Criteria: Invitae Variant Classification Sherloc (09022015). Collection method: clinical testing. Allele origin: germline.
Comment: This sequence change replaces cysteine, which is neutral and slightly polar, with glycine, which is neutral and non-polar, at codon 869 of the MSH6 protein (p.Cys869Gly). This variant is not present in population databases (gnomAD no frequency). This variant has not been reported in the literature in individuals affected with MSH6-related conditions. ClinVar contains an entry for this variant (Variation ID: 455212). Invitae Evidence Modeling of protein sequence and biophysical properties (such as structural, functional, and spatial information, amino acid conservation, physicochemical variation, residue mobility, and thermodynamic stability) indicates that this missense variant is not expected to disrupt MSH6 protein function with a negative predictive value of 95%. In summary, the available evidence is currently insufficient to determine the role of this variant in disease. Therefore, it has been classified as a Variant of Uncertain Significance.

Ambry Genetics
Classification: Uncertain significance for Hereditary cancer-predisposing syndrome. Last evaluated: 2024-05-08. Review status: criteria provided, single submitter. Criteria: Ambry Variant Classification Scheme 2023. Collection method: clinical testing. Allele origin: germline.
Comment: The p.C869G variant (also known as c.2605T>G), located in coding exon 4 of the MSH6 gene, results from a T to G substitution at nucleotide position 2605. The cysteine at codon 869 is replaced by glycine, an amino acid with highly dissimilar properties. This variant was reported in 2/60,466 breast cancer cases and in 1/53,461 controls (Dorling et al. N Engl J Med. 2021 02;384:428-439). This amino acid position is not well conserved in available vertebrate species. In addition, the in silico prediction for this alteration is inconclusive. Based on the available evidence, the clinical significance of this variant remains unclear.

Literature cited by the submitters: PubMed 33471991 (cited by Ambry Genetics).